The following is an entry in ClinVar:

NM_153252.5(BRWD3):c.602A>T (p.Asp201Val)

Gene: BRWD3 (bromodomain and WD repeat domain containing 3; minus strand). Cytogenetic location: Xq21.1.
Variant type: single nucleotide variant.
Coding change: c.602A>T on transcript NM_153252.5 (MANE Select); coding-DNA position 602, A replaced by T.
Protein change: p.Asp201Val; replaces aspartic acid 201 with valine.
Molecular consequence: missense variant.
Genome position (GRCh38, 1-based): chrX:80,744,243, T>A on the plus strand (A>T on the coding strand, the complement: BRWD3 is on the minus strand). VCF-style: chrX-80744243-T-A. GRCh37 (hg19) VCF-style: chrX-79999742-T-A.
Other names: short protein forms D201V.
Identifiers: ClinVar variation 2576165 (VCV002576165.1), dbSNP rs2520539206, ClinGen allele CA413607133.

ClinVar aggregate classification (germline): Uncertain significance (1 of 4 stars; one submission).

Submission:

Institute for Clinical Genetics, University Hospital TU Dresden, University Hospital TU Dresden
Classification: Uncertain significance. Last evaluated: 2023-07-12. Review status: criteria provided, single submitter. Criteria: ACMG Guidelines, 2015. Collection method: clinical testing. Allele origin: maternal.
Comment: PP3, PM2_SUP